The following is an entry in ClinVar:

NM_001278689.2(EOGT):c.50G>A (p.Ser17Asn)

Gene: EOGT (EGF domain specific O-linked N-acetylglucosamine transferase; minus strand). Cytogenetic location: 3p14.1.
Variant type: single nucleotide variant.
Coding change: c.50G>A on transcript NM_001278689.2 (MANE Select); coding-DNA position 50, G replaced by A.
Protein change: p.Ser17Asn; replaces serine 17 with asparagine.
Molecular consequence: missense variant. On other transcripts: non-coding transcript variant (1).
Genome position (GRCh38, 1-based): chr3:69,009,797, C>T on the plus strand (G>A on the coding strand, the complement: EOGT is on the minus strand). VCF-style: chr3-69009797-C-T. GRCh37 (hg19) VCF-style: chr3-69058948-C-T.
Other names: c.50G>A, p.Ser17Asn (NM_173654.3); c.50G>A (NM_173654.1); short protein forms S17N.
Identifiers: ClinVar variation 1425835 (VCV001425835.9), dbSNP rs139168099, ClinGen allele CA2487053.

ClinVar aggregate classification (germline): Uncertain significance. Review status: criteria provided, multiple submitters, no conflicts (2 of 4 stars). 3 submissions from 3 submitters: Uncertain significance (3). Last evaluated 2024-10-20.

Conditions:
Inborn genetic diseases. Identifiers: MedGen C0950123, MeSH D030342.
Adams-Oliver syndrome 4 (AOS4). Identifiers: Orphanet 974, MedGen C3809092, MONDO:0014124, OMIM 615297.

Allele frequency attached by ClinVar (database versions not stated): gnomAD exomes 0.00023 and 0.00050; ExAC 0.00029; gnomAD 0.00030 and 0.00031; TOPMed 0.00034; ESP Exome Variant Server 0.00054.
gnomAD v4.1: 768 of 1,613,966 alleles (0.048%); highest among the groups gnomAD compares: Non-Finnish European, 0.062%; no homozygotes.

Submissions (3):

Ambry Genetics
Classification: Uncertain significance for Inborn genetic diseases. Last evaluated: 2024-10-20. Review status: criteria provided, single submitter. Criteria: Ambry Variant Classification Scheme 2023. Collection method: clinical testing. Allele origin: germline.

Labcorp Genetics (formerly Invitae), Labcorp
Classification: Uncertain significance for Adams-Oliver syndrome 4. Last evaluated: 2023-11-27. Review status: criteria provided, single submitter. Criteria: Invitae Variant Classification Sherloc (09022015). Collection method: clinical testing. Allele origin: germline.
Comment: This sequence change replaces serine, which is neutral and polar, with asparagine, which is neutral and polar, at codon 17 of the EOGT protein (p.Ser17Asn). This variant is present in population databases (rs139168099, gnomAD 0.04%). This variant has not been reported in the literature in individuals affected with EOGT-related conditions. ClinVar contains an entry for this variant (Variation ID: 1425835). An algorithm developed to predict the effect of missense changes on protein structure and function (PolyPhen-2) suggests that this variant¬†is likely to be tolerated. In summary, the available evidence is currently insufficient to determine the role of this variant in disease. Therefore, it has been classified as a Variant of Uncertain Significance.

Breakthrough Genomics
Classification: Uncertain significance. Review status: criteria provided, single submitter. Criteria: ACMG Guidelines, 2015. Collection method: not provided. Allele origin: germline. Inheritance: Autosomal recessive inheritance. Affected: yes.